The following is an entry in ClinVar:

NM_000535.7(PMS2):c.948C>A (p.His316Gln)

Gene: PMS2 (PMS1 homolog 2, mismatch repair system component; minus strand). Cytogenetic location: 7p22.1.
Variant type: single nucleotide variant.
Coding change: c.948C>A on transcript NM_000535.7 (MANE Select); coding-DNA position 948, C replaced by A.
Protein change: p.His316Gln; replaces histidine 316 with glutamine.
Molecular consequence: missense variant. On other transcripts: non-coding transcript variant (1).
Genome position (GRCh38, 1-based): chr7:5,992,013, G>T on the plus strand (C>A on the coding strand, the complement: PMS2 is on the minus strand). VCF-style: chr7-5992013-G-T. GRCh37 (hg19) VCF-style: chr7-6031644-G-T.
Other names: c.543C>A, p.His181Gln (NM_001322003.2, NM_001322004.2, NM_001322005.2 and 2 more transcripts); c.948C>A, p.His316Gln (NM_001322006.2, NM_001322014.2); c.630C>A, p.His210Gln (NM_001322007.2, NM_001322008.2); c.15C>A, p.His5Gln (NM_001322011.2, NM_001322012.2); c.375C>A, p.His125Gln (NM_001322013.2); c.639C>A, p.His213Gln (NM_001322015.2); c.948C>A (NM_000535.5); short protein forms H210Q, H181Q, H125Q, H213Q, H316Q, H5Q.
Identifiers: ClinVar variation 802296 (VCV000802296.11), dbSNP rs1219573982, ClinGen allele CA366743137.

ClinVar aggregate classification (germline): Uncertain significance. Review status: criteria provided, multiple submitters, no conflicts (2 of 4 stars). 4 submissions from 4 submitters: Uncertain significance (4). Last evaluated 2024-04-13.

Conditions:
Lynch syndrome 4 (LYNCH4). Also called: Hereditary non-polyposis colorectal cancer, type 4; Colorectal cancer, hereditary nonpolyposis, type 4. Identifiers: Orphanet 144, MedGen C1838333, MONDO:0013699, OMIM 614337. Disease mechanism: loss of function.
Hereditary nonpolyposis colorectal neoplasms. Identifiers: MedGen C0009405, MeSH D003123.
Hereditary cancer-predisposing syndrome. Also called: Tumor predisposition; Neoplastic Syndromes, Hereditary; Hereditary Cancer Syndrome; Hereditary neoplastic syndrome. Identifiers: Orphanet 140162, MedGen C0027672, MeSH D009386, MONDO:0015356.

Submissions (4):

Labcorp Genetics (formerly Invitae), Labcorp
Classification: Uncertain significance for Hereditary nonpolyposis colorectal neoplasms. Last evaluated: 2024-04-13. Review status: criteria provided, single submitter. Criteria: Invitae Variant Classification Sherloc (09022015). Collection method: clinical testing. Allele origin: germline.
Comment: This sequence change replaces histidine, which is basic and polar, with glutamine, which is neutral and polar, at codon 316 of the PMS2 protein (p.His316Gln). This variant is not present in population databases (gnomAD no frequency). This missense change has been observed in individual(s) with breast cancer (PMID: 35449176). ClinVar contains an entry for this variant (Variation ID: 802296). Advanced modeling of protein sequence and biophysical properties (such as structural, functional, and spatial information, amino acid conservation, physicochemical variation, residue mobility, and thermodynamic stability) performed at Invitae indicates that this missense variant is not expected to disrupt PMS2 protein function with a negative predictive value of 80%. In summary, the available evidence is currently insufficient to determine the role of this variant in disease. Therefore, it has been classified as a Variant of Uncertain Significance.

Baylor Genetics
Classification: Uncertain significance for Lynch syndrome 4. Last evaluated: 2023-09-13. Review status: criteria provided, single submitter. Criteria: ACMG Guidelines, 2015. Collection method: clinical testing. Allele origin: unknown.

Ambry Genetics
Classification: Uncertain significance for Hereditary cancer-predisposing syndrome. Last evaluated: 2023-03-05. Review status: criteria provided, single submitter. Criteria: Ambry Variant Classification Scheme 2023. Collection method: clinical testing. Allele origin: germline.
Comment: The p.H316Q variant (also known as c.948C>A), located in coding exon 9 of the PMS2 gene, results from a C to A substitution at nucleotide position 948. The histidine at codon 316 is replaced by glutamine, an amino acid with highly similar properties. This amino acid position is conserved. In addition, the in silico prediction for this alteration is inconclusive. Since supporting evidence is limited at this time, the clinical significance of this alteration remains unclear.

Mendelics
Classification: Uncertain significance for Lynch syndrome 4. Last evaluated: 2019-05-28. Review status: criteria provided, single submitter. Criteria: Mendelics Assertion Criteria 2017. Collection method: clinical testing. Allele origin: unknown.

Literature cited by the submitters: PubMed 35449176 (cited by Labcorp Genetics (formerly Invitae), Labcorp).